The following is an entry in ClinVar:

NM_004064.5(CDKN1B):c.185del (p.Phe62fs)

Gene: CDKN1B (cyclin dependent kinase inhibitor 1B; plus strand). Cytogenetic location: 12p13.1.
Variant type: Deletion.
Coding change: c.185del on transcript NM_004064.5 (MANE Select); coding-DNA position 185, one base deleted (T; older notation c.185delT).
Protein change: p.Phe62fs; shifts the reading frame from phenylalanine 62.
Molecular consequence: frameshift variant.
Genome position (GRCh38, 1-based): chr12:12,718,024, T deleted; the last of 3 consecutive T bases (chr12:12,718,022-12,718,024); deleting any one gives the same sequence. VCF-style (leftmost placement, unchanged base first): chr12-12718021-AT-A. GRCh37 (hg19) VCF-style: chr12-12870955-AT-A.
Other names: short protein forms F62fs.
Identifiers: ClinVar variation 2863844 (VCV002863844.3), dbSNP rs2136355734, ClinGen allele CA2739271871.

ClinVar aggregate classification (germline): Pathogenic (1 of 4 stars; one submission).

Conditions:
Multiple endocrine neoplasia type 4. Also called: MULTIPLE ENDOCRINE NEOPLASIA, TYPE IV. Identifiers: Orphanet 276152, MedGen C1970712, MONDO:0012552, OMIM 610755.

Submission:

Labcorp Genetics (formerly Invitae), Labcorp
Classification: Pathogenic for Multiple endocrine neoplasia type 4. Last evaluated: 2023-05-13. Review status: criteria provided, single submitter. Criteria: Invitae Variant Classification Sherloc (09022015). Collection method: clinical testing. Allele origin: germline.
Comment: For these reasons, this variant has been classified as Pathogenic. This variant has not been reported in the literature in individuals affected with CDKN1B-related conditions. This variant is not present in population databases (gnomAD no frequency). This sequence change creates a premature translational stop signal (p.Phe62Serfs*9) in the CDKN1B gene. It is expected to result in an absent or disrupted protein product. Loss-of-function variants in CDKN1B are known to be pathogenic (PMID: 17030811, 24819502).

Literature cited by the submitters: PubMed 17030811; PubMed 24819502.